The following is an entry in ClinVar:

ClinVar aggregate classification (germline): Uncertain significance (1 of 4 stars; one submission).

gnomAD v4.1: 2 of 980,192 alleles (0.0002%); highest among the groups gnomAD compares: South Asian, 0.0091%; no homozygotes.

Submission:

Women's Health and Genetics/Laboratory Corporation of America, LabCorp
Classification: Uncertain significance. Last evaluated: 2026-04-08. Review status: criteria provided, single submitter. Criteria: LabCorp Variant Classification Summary - May 2015. Collection method: clinical testing. Allele origin: germline.
Comment: Variant summary: AGO2 c.-6G>A is located in the untranslated mRNA region upstream of the initiation codon. The variant was absent in 24136 control chromosomes. The available data on variant occurrences in the general population are insufficient to allow any conclusion about variant significance. To our knowledge, no occurrence of c.-6G>A in individuals affected with AGO2-related conditions and no experimental evidence demonstrating its impact on protein function have been reported. No submitters have cited clinical-significance assessments for this variant to ClinVar. Based on the evidence outlined above, the variant was classified as uncertain significance.

NM_012154.5(AGO2):c.-6G>A

Genes: AGO2 (argonaute RISC catalytic component 2; minus strand), ERICD (E2F1-regulated inhibitor of cell death; plus strand). Cytogenetic location: 8q24.3.
Variant type: single nucleotide variant.
Coding change: c.-6G>A on transcript NM_012154.5 (MANE Select); 6 bases upstream of the start codon, G replaced by A.
Molecular consequence: 5 prime UTR variant. On other transcripts: non-coding transcript variant (1).
Genome position (GRCh38, 1-based): chr8:140,635,512, C>T on the plus strand (G>A on the coding strand, the complement: AGO2 is on the minus strand). VCF-style: chr8-140635512-C-T. GRCh37 (hg19) VCF-style: chr8-141645611-C-T.
Other names: c.-6G>A (NM_001164623.3).
Identifiers: ClinVar variation 4848743 (VCV004848743.1).